The following is an entry in ClinVar:

NM_005045.4(RELN):c.1748A>T (p.His583Leu)

Gene: RELN (reelin; minus strand). Cytogenetic location: 7q22.1.
Variant type: single nucleotide variant.
Coding change: c.1748A>T on transcript NM_005045.4 (MANE Select); coding-DNA position 1748, A replaced by T.
Protein change: p.His583Leu; replaces histidine 583 with leucine.
Molecular consequence: missense variant.
Genome position (GRCh38, 1-based): chr7:103,652,566, T>A on the plus strand (A>T on the coding strand, the complement: RELN is on the minus strand). VCF-style: chr7-103652566-T-A. GRCh37 (hg19) VCF-style: chr7-103293013-T-A.
Other names: c.1748A>T, p.His583Leu (NM_173054.3); short protein forms H583L.
Identifiers: ClinVar variation 3750895 (VCV003750895.2).
Genomic context (GRCh38, chr7:103,652,566, plus strand): 5'-AAACTCATTTTTAGTTTTGCACACTTACAAAATAGGGCTTCCTACCTGTTACCAGGCTGA[T>A]GCGTTCCACATCCCAGATTGATGGAAAACTGTATCATGTGAGACATTGTAGAAGGGAGAA-3'
Protein context (NP_005036.2, residues 573-593): QFSINLGCGT[His583Leu]QPGNSVSLEF

ClinVar aggregate classification (germline): Uncertain significance (1 of 4 stars; one submission).

Conditions:
Familial temporal lobe epilepsy 7. Identifiers: Orphanet 101046, MedGen C4225327, MONDO:0014639, OMIM 616436.
Norman-Roberts syndrome (LIS2). Also called: Lissencephaly 2 (Norman-Roberts type). Identifiers: Orphanet 89844, MedGen C0796089, MONDO:0009760, OMIM 257320.

Submission:

Labcorp Genetics (formerly Invitae), Labcorp
Classification: Uncertain significance for Familial temporal lobe epilepsy 7; Norman-Roberts syndrome. Last evaluated: 2024-05-17. Review status: criteria provided, single submitter. Criteria: Invitae Variant Classification Sherloc (09022015). Collection method: clinical testing. Allele origin: germline.
Comment: This sequence change replaces histidine, which is basic and polar, with leucine, which is neutral and non-polar, at codon 583 of the RELN protein (p.His583Leu). This variant is not present in population databases (gnomAD no frequency). This variant has not been reported in the literature in individuals affected with RELN-related conditions. Advanced modeling of protein sequence and biophysical properties (such as structural, functional, and spatial information, amino acid conservation, physicochemical variation, residue mobility, and thermodynamic stability) performed at Invitae indicates that this missense variant is not expected to disrupt RELN protein function with a negative predictive value of 80%. In summary, the available evidence is currently insufficient to determine the role of this variant in disease. Therefore, it has been classified as a Variant of Uncertain Significance.